The following is an entry in ClinVar:

NM_001458.5(FLNC):c.6190dup (p.Val2064fs)

Genes: FLNC (filamin C; plus strand), FLNC-AS1 (FLNC antisense RNA 1; minus strand). Cytogenetic location: 7q32.1.
Variant type: Duplication.
Coding change: c.6190dup on transcript NM_001458.5 (MANE Select); coding-DNA position 6190, one base duplicated (G; older notation c.6190dupG).
Protein change: p.Val2064fs; shifts the reading frame from valine 2064.
Molecular consequence: frameshift variant.
Genome position (GRCh38, 1-based): chr7:128,853,013, G duplicated. VCF-style (leftmost placement, unchanged base first): chr7-128853012-C-CG. GRCh37 (hg19) VCF-style: chr7-128493066-C-CG.
Other names: c.6190dupG (NM_001458.4, NM_001458.5); c.6091dup, p.Val2031fs (NM_001127487.2); short protein forms V2064fs, V2031fs.
Identifiers: ClinVar variation 843365 (VCV000843365.19), dbSNP rs1808888920, ClinGen allele CA916082317.

ClinVar aggregate classification (germline): Pathogenic/Likely pathogenic. Review status: criteria provided, multiple submitters, no conflicts (2 of 4 stars). 5 submissions from 5 submitters: Pathogenic (4); Likely pathogenic (1). Last evaluated 2026-10-16.

Conditions:
Cardiovascular phenotype. Identifiers: MedGen CN230736.
Primary familial dilated cardiomyopathy (FDC). Also called: Familial dilated cardiomyopathy; Hypokinetic dilated cardiomyopathy, familial. Identifiers: Orphanet 217607, MedGen C0340427, MONDO:0016333.
Distal myopathy with posterior leg and anterior hand involvement. Also called: WILLIAMS DISTAL MYOPATHY. Identifiers: Orphanet 63273, MedGen C3279722, MONDO:0013550, OMIM 614065.
Hypertrophic cardiomyopathy 26. Also called: Cardiomyopathy, familial hypertrophic, 26. Identifiers: Orphanet 75249, MedGen C4310749, MONDO:0014883, OMIM 617047.
Myofibrillar myopathy 5. Also called: Filaminopathy (type); FILAMINOPATHY, AUTOSOMAL DOMINANT. Identifiers: Orphanet 171445, MedGen C1836050, MONDO:0012289, OMIM 609524.

Submissions (5):

GeneDx
Classification: Pathogenic. Last evaluated: 2026-10-16. Review status: criteria provided, single submitter. Criteria: GeneDx Variant Classification Process June 2021. Collection method: clinical testing. Allele origin: germline.
Comment: Frameshift variant predicted to result in protein truncation or nonsense mediated decay in a gene for which loss-of-function is a known mechanism of disease; Not observed at significant frequency in large population cohorts (gnomAD); Has not been previously published as pathogenic or benign to our knowledge

Women's Health and Genetics/Laboratory Corporation of America, LabCorp
Classification: Pathogenic for Primary familial dilated cardiomyopathy. Last evaluated: 2025-12-02. Review status: criteria provided, single submitter. Criteria: LabCorp Variant Classification Summary - May 2015. Collection method: clinical testing. Allele origin: germline.
Comment: Variant summary: FLNC c.6190dupG (p.Val2064GlyfsX16) results in a premature termination codon, predicted to cause a truncation of the encoded protein or absence of the protein due to nonsense mediated decay, which are commonly known mechanisms for disease. The variant was absent in 247510 control chromosomes. To our knowledge, no occurrence of c.6190dupG in individuals affected with FLNC-related conditions and no experimental evidence demonstrating its impact on protein function have been reported. ClinVar contains an entry for this variant (Variation ID: 843365). Based on the evidence outlined above, the variant was classified as pathogenic.

Labcorp Genetics (formerly Invitae), Labcorp
Classification: Pathogenic for Distal myopathy with posterior leg and anterior hand involvement; Myofibrillar myopathy 5; Hypertrophic cardiomyopathy 26. Last evaluated: 2025-04-23. Review status: criteria provided, single submitter. Criteria: Invitae Variant Classification Sherloc (09022015). Collection method: clinical testing. Allele origin: germline.
Comment: This sequence change creates a premature translational stop signal (p.Val2064Glyfs*16) in the FLNC gene. It is expected to result in an absent or disrupted protein product. Loss-of-function variants in FLNC are known to be pathogenic (PMID: 27908349). This variant is not present in population databases (gnomAD no frequency). This variant has not been reported in the literature in individuals affected with FLNC-related conditions. ClinVar contains an entry for this variant (Variation ID: 843365). Algorithms developed to predict the effect of sequence changes on RNA splicing suggest that this variant may disrupt the consensus splice site. For these reasons, this variant has been classified as Pathogenic.

Revvity Omics, Revvity
Classification: Likely pathogenic. Last evaluated: 2022-02-11. Review status: criteria provided, single submitter. Criteria: ACMG Guidelines, 2015. Collection method: clinical testing. Allele origin: germline.

Ambry Genetics
Classification: Pathogenic for Cardiovascular phenotype. Last evaluated: 2020-08-18. Review status: criteria provided, single submitter. Criteria: Ambry Variant Classification Scheme 2023. Collection method: clinical testing. Allele origin: germline.
Comment: The c.6190dupG variant, located in coding exon 37 of the FLNC gene, results from a duplication of G at nucleotide position 6190, causing a translational frameshift with a predicted alternate stop codon (p.V2064Gfs*16). This alteration is expected to result in loss of function by premature protein truncation or nonsense-mediated mRNA decay. As such, this alteration is interpreted as a disease-causing mutation.

Literature cited by the submitters: PubMed 27908349 (cited by Labcorp Genetics (formerly Invitae), Labcorp).